The following is an entry in ClinVar:

NM_001277115.2(DNAH11):c.7544G>A (p.Gly2515Glu)

Gene: DNAH11 (dynein axonemal heavy chain 11; plus strand). Cytogenetic location: 7p15.3.
Variant type: single nucleotide variant.
Coding change: c.7544G>A on transcript NM_001277115.2 (MANE Select); coding-DNA position 7544, G replaced by A.
Protein change: p.Gly2515Glu; replaces glycine 2515 with glutamic acid.
Molecular consequence: missense variant.
Genome position (GRCh38, 1-based): chr7:21,735,743, G>A. VCF-style: chr7-21735743-G-A. GRCh37 (hg19) VCF-style: chr7-21775361-G-A.
Other names: NM_001277115.2:c.7544G>A; short protein forms G2515E.
Identifiers: ClinVar variation 3776933 (VCV003776933.1).

ClinVar aggregate classification (germline): Uncertain significance (1 of 4 stars; one submission).

Conditions:
Primary ciliary dyskinesia 7. Also called: CILIARY DYSKINESIA, PRIMARY, 7, WITH OR WITHOUT SITUS INVERSUS. Identifiers: Orphanet 244, MedGen C2678473, MONDO:0012748, OMIM 611884.

gnomAD v4.1: 2 of 1,613,936 alleles (0.00012%); highest among the groups gnomAD compares: Non-Finnish European, 0.00017%; no homozygotes.

Submission:

Broad Center for Mendelian Genomics, Broad Institute of MIT and Harvard
Classification: Uncertain significance for Primary ciliary dyskinesia 7. Last evaluated: 2025-02-18. Review status: criteria provided, single submitter. Criteria: ACMG Guidelines, 2015. Collection method: curation. Allele origin: germline. Inheritance: Autosomal recessive inheritance.
Comment: The p.Gly2515Glu variant in DNAH11 has been reported, in the homozygous state, in 1 individual with primary ciliary dyskinesia (PMID: 31765523), and has been identified in 0.0002% (2/1179880) of European (non-Finnish) chromosomes by the Genome Aggregation Database (gnomAD; dbSNP ID: rs1785579822). Although this variant has been seen in the general population in a heterozygous state, its frequency is low enough to be consistent with a recessive carrier frequency. Computational prediction tools and conservation analyses suggest that this variant may impact the protein, though this information is not predictive enough to determine pathogenicity. In summary, the clinical significance of the p.Gly2515Glu variant is uncertain. ACMG/AMP Criteria applied: PP3_moderate, PM2_supporting, PM3_supporting (Richards 2015).